The following is an entry in ClinVar:

ClinVar aggregate classification (germline): Benign. Review status: criteria provided, multiple submitters, no conflicts (2 of 4 stars). 2 submissions from 2 submitters: Benign (2). Last evaluated 2024-01-24.

Allele frequency attached by ClinVar (database versions not stated): gnomAD exomes 0.32506; gnomAD 0.32602 and 0.32999; 1000 Genomes Project 30x 0.38398; 1000 Genomes Project 0.39417.

Submissions (11):

Unidad de Genómica Garrahan, Hospital de Pediatría Garrahan
Classification: Benign. Last evaluated: 2024-01-24. Review status: criteria provided, single submitter. Criteria: ACMG Guidelines, 2015. Collection method: clinical testing. Allele origin: germline. Affected: no. Observed: 38 variant alleles.
Comment: This variant is classified as Benign based on local population frequency. This variant was detected in 40% of patients studied by a panel of primary immunodeficiencies. Number of patients: 38. Only high quality variants are reported.

GeneDx
Classification: Benign. Last evaluated: 2018-11-12. Review status: criteria provided, single submitter. Criteria: GeneDx Variant Classification Process June 2021. Collection method: clinical testing. Allele origin: germline. Affected: yes.

Dr. Peter K. Rogan Lab, Western University
No classification provided (evidence only). Condition: Thyroid cancer, nonmedullary, 1. Review status: no classification provided. Collection method: in vitro. Allele origin: not applicable. Functional consequence: retained intron. Not counted in ClinVar's aggregate classification.

Dr. Peter K. Rogan Lab, Western University
No classification provided (evidence only). Condition: Malignant lymphoma, large B-cell, diffuse. Review status: no classification provided. Collection method: in vitro. Allele origin: not applicable. Functional consequence: retained intron. Not counted in ClinVar's aggregate classification.

Dr. Peter K. Rogan Lab, Western University
No classification provided (evidence only). Condition: Malignant lymphoma, large B-cell, diffuse. Review status: no classification provided. Collection method: in vitro. Allele origin: not applicable. Functional consequence: retained intron. Not counted in ClinVar's aggregate classification.

Dr. Peter K. Rogan Lab, Western University
No classification provided (evidence only). Condition: Malignant lymphoma, large B-cell, diffuse. Review status: no classification provided. Collection method: in vitro. Allele origin: not applicable. Functional consequence: retained intron. Not counted in ClinVar's aggregate classification.

Dr. Peter K. Rogan Lab, Western University
No classification provided (evidence only). Condition: Malignant lymphoma, large B-cell, diffuse. Review status: no classification provided. Collection method: in vitro. Allele origin: not applicable. Functional consequence: retained intron. Not counted in ClinVar's aggregate classification.

Dr. Peter K. Rogan Lab, Western University
No classification provided (evidence only). Condition: Malignant lymphoma, large B-cell, diffuse. Review status: no classification provided. Collection method: in vitro. Allele origin: not applicable. Functional consequence: retained intron. Not counted in ClinVar's aggregate classification.

Dr. Peter K. Rogan Lab, Western University
No classification provided (evidence only). Condition: Malignant lymphoma, large B-cell, diffuse. Review status: no classification provided. Collection method: in vitro. Allele origin: not applicable. Functional consequence: retained intron. Not counted in ClinVar's aggregate classification.

Dr. Peter K. Rogan Lab, Western University
No classification provided (evidence only). Condition: Thymoma. Review status: no classification provided. Collection method: in vitro. Allele origin: not applicable. Functional consequence: retained intron. Not counted in ClinVar's aggregate classification.

Dr. Peter K. Rogan Lab, Western University
No classification provided (evidence only). Condition: Thymoma. Review status: no classification provided. Collection method: in vitro. Allele origin: not applicable. Functional consequence: retained intron. Not counted in ClinVar's aggregate classification.

NM_002460.4(IRF4):c.*58G>A

Gene: IRF4 (interferon regulatory factor 4; plus strand). Cytogenetic location: 6p25.3.
Variant type: single nucleotide variant.
Coding change: c.*58G>A on transcript NM_002460.4 (MANE Select); 58 bases downstream of the stop codon, G replaced by A.
Molecular consequence: 3 prime UTR variant. On other transcripts: non-coding transcript variant (1).
Genome position (GRCh38, 1-based): chr6:407,656, G>A. VCF-style: chr6-407656-G-A. GRCh37 (hg19) VCF-style: chr6-407656-G-A.
Other names: NC_000006.11:g.407656G>A; c.*58G>A (NM_001195286.2).
Identifiers: ClinVar variation 1273389 (VCV001273389.4), dbSNP rs1131442, ClinGen allele CA12221115.